The following is an entry in ClinVar:

ClinVar aggregate classification (germline): Uncertain significance (1 of 4 stars; one submission).

Submission:

Ambry Genetics
Classification: Uncertain significance. Last evaluated: 2025-08-20. Review status: criteria provided, single submitter. Criteria: Ambry Variant Classification Scheme 2023. Collection method: clinical testing. Allele origin: germline.
Comment: The p.A42V variant (also known as c.125C>T), located in coding exon 1 of the RNF43 gene, results from a C to T substitution at nucleotide position 125. The alanine at codon 42 is replaced by valine, an amino acid with similar properties. This amino acid position is conserved. In addition, this alteration is predicted to be tolerated by in silico analysis. Based on the available evidence, the clinical significance of this variant remains unclear.

NM_017763.6(RNF43):c.125C>T (p.Ala42Val)

Gene: RNF43 (ring finger protein 43; minus strand). Cytogenetic location: 17q22.
Variant type: single nucleotide variant.
Coding change: c.125C>T on transcript NM_017763.6 (MANE Select); coding-DNA position 125, C replaced by T.
Protein change: p.Ala42Val; replaces alanine 42 with valine.
Molecular consequence: missense variant. On other transcripts: intron variant (1).
Genome position (GRCh38, 1-based): chr17:58,415,453, G>A on the plus strand (C>T on the coding strand, the complement: RNF43 is on the minus strand). VCF-style: chr17-58415453-G-A. GRCh37 (hg19) VCF-style: chr17-56492814-G-A.
Other names: c.125C>T, p.Ala42Val (NM_001305544.3, NM_001438820.1, NM_001438821.1 and 1 more transcripts); c.-130+1564C>T (NM_001437987.1); short protein forms A42V.
Identifiers: ClinVar variation 4155787 (VCV004155787.1).